The following is an entry in ClinVar:

ClinVar aggregate classification (germline): Conflicting classifications of pathogenicity. Review status: criteria provided, conflicting classifications (1 of 4 stars). 3 submissions from 3 submitters: Uncertain significance (1); Benign (1); Likely benign (1). Last evaluated 2026-04-13.

Conditions:
Hereditary cancer-predisposing syndrome. Also called: Hereditary Cancer Syndrome; Tumor predisposition; Hereditary neoplastic syndrome; Neoplastic Syndromes, Hereditary. Identifiers: Orphanet 140162, MedGen C0027672, MeSH D009386, MONDO:0015356.
Tuberous sclerosis 2 (TSC2). Identifiers: Orphanet 805, MedGen C1860707, MONDO:0013199, OMIM 613254.

Allele frequency attached by ClinVar (database versions not stated): gnomAD exomes below 0.00001.
gnomAD v4.1: 2 of 1,613,590 alleles (0.00012%); highest among the groups gnomAD compares: East Asian, 0.0045%; no homozygotes.

Submissions (3):

Ambry Genetics
Classification: Uncertain significance for Hereditary cancer-predisposing syndrome. Last evaluated: 2026-04-13. Review status: criteria provided, single submitter. Criteria: Ambry Variant Classification Scheme 2023. Collection method: clinical testing. Allele origin: germline.
Comment: The p.A623V variant (also known as c.1868C>T), located in coding exon 17 of the TSC2 gene, results from a C to T substitution at nucleotide position 1868. The alanine at codon 623 is replaced by valine, an amino acid with similar properties. This amino acid position is conserved. In addition, this alteration is predicted to be deleterious by in silico analysis. Based on the available evidence, the clinical significance of this variant remains unclear.

Labcorp Genetics (formerly Invitae), Labcorp
Classification: Benign for Tuberous sclerosis 2. Last evaluated: 2025-06-16. Review status: criteria provided, single submitter. Criteria: Invitae Variant Classification Sherloc (09022015). Collection method: clinical testing. Allele origin: germline.

GeneDx
Classification: Likely benign. Last evaluated: 2016-09-28. Review status: criteria provided, single submitter. Criteria: GeneDx Variant Classification (06012015). Collection method: clinical testing. Allele origin: germline. Affected: yes.
Comment: This variant is considered likely benign or benign based on one or more of the following criteria: it is a conservative change, it occurs at a poorly conserved position in the protein, it is predicted to be benign by multiple in silico algorithms, and/or has population frequency not consistent with disease.

NM_000548.5(TSC2):c.1868C>T (p.Ala623Val)

Gene: TSC2 (TSC complex subunit 2; plus strand). Cytogenetic location: 16p13.3.
Variant type: single nucleotide variant.
Coding change: c.1868C>T on transcript NM_000548.5 (MANE Select); coding-DNA position 1868, C replaced by T.
Protein change: p.Ala623Val; replaces alanine 623 with valine.
Molecular consequence: missense variant.
Genome position (GRCh38, 1-based): chr16:2,071,538, C>T. VCF-style: chr16-2071538-C-T. GRCh37 (hg19) VCF-style: chr16-2121539-C-T.
Other names: c.1868C>T, p.Ala623Val (NM_001077183.3, NM_001114382.3, NM_001363528.2 and 3 more transcripts); c.1757C>T, p.Ala586Val (NM_001318827.2); c.1721C>T, p.Ala574Val (NM_001318829.2); c.1268C>T, p.Ala423Val (NM_001318831.2); c.1901C>T, p.Ala634Val (NM_001318832.2); short protein forms A623V, A574V, A634V, A423V, A586V.
Identifiers: ClinVar variation 385710 (VCV000385710.7), dbSNP rs1057522306, ClinGen allele CA16608037.
Genomic context (GRCh38, chr16:2,071,538, plus strand): 5'-GGCTCTGGCTTTCACCATCCTCTTCCTGACAGGCCTTTGACTTCCTGTTGCTGCTGCGGG[C>T]CGACTCACTGCACCGCCTGGGCCTGCCCAACAAGGATGGAGTCGTGCGGTTCAGCCCCTA-3'
Protein context (NP_000539.2, residues 613-633): QAFDFLLLLR[Ala623Val]DSLHRLGLPN